The following is an entry in ClinVar:

ClinVar aggregate classification (germline): Uncertain significance. Review status: criteria provided, multiple submitters, no conflicts (2 of 4 stars). 4 submissions from 4 submitters: Uncertain significance (4). Last evaluated 2024-12-08.

Conditions:
Inborn genetic diseases. Identifiers: MedGen C0950123, MeSH D030342.
Fanconi anemia (FA). Also called: Fanconi's anemia. Identifiers: Orphanet 84, MedGen C0015625, MeSH D005199, MONDO:0019391.

Allele frequency attached by ClinVar (database versions not stated): gnomAD exomes below 0.00001; ExAC 0.00001; TOPMed 0.00001; gnomAD 0.00002.
gnomAD v4.1: 6 of 1,614,016 alleles (0.00037%); highest among the groups gnomAD compares: African/African-American, 0.008%; no homozygotes.

Submissions (4):

Ambry Genetics
Classification: Uncertain significance for Inborn genetic diseases. Last evaluated: 2024-12-08. Review status: criteria provided, single submitter. Criteria: Ambry Variant Classification Scheme 2023. Collection method: clinical testing. Allele origin: germline.
Comment: The p.Y62H variant (also known as c.184T>C), located in coding exon 1 of the FANCM gene, results from a T to C substitution at nucleotide position 184. The tyrosine at codon 62 is replaced by histidine, an amino acid with similar properties. This amino acid position is conserved. In addition, this alteration is predicted to be tolerated by in silico analysis. Based on the available evidence, the clinical significance of this variant remains unclear.

Labcorp Genetics (formerly Invitae), Labcorp
Classification: Uncertain significance for Fanconi anemia. Last evaluated: 2023-06-19. Review status: criteria provided, single submitter. Criteria: Invitae Variant Classification Sherloc (09022015). Collection method: clinical testing. Allele origin: germline.
Comment: This sequence change replaces tyrosine, which is neutral and polar, with histidine, which is basic and polar, at codon 62 of the FANCM protein (p.Tyr62His). This variant is present in population databases (rs746609446, gnomAD 0.007%). This variant has not been reported in the literature in individuals affected with FANCM-related conditions. ClinVar contains an entry for this variant (Variation ID: 1472956). An algorithm developed to predict the effect of missense changes on protein structure and function (PolyPhen-2) suggests that this variant is likely to be disruptive. In summary, the available evidence is currently insufficient to determine the role of this variant in disease. Therefore, it has been classified as a Variant of Uncertain Significance.

GeneDx
Classification: Uncertain significance. Last evaluated: 2022-06-06. Review status: criteria provided, single submitter. Criteria: GeneDx Variant Classification Process June 2021. Collection method: clinical testing. Allele origin: germline. Affected: yes.
Comment: Not observed at significant frequency in large population cohorts (gnomAD); In silico analysis supports that this missense variant has a deleterious effect on protein structure/function; Has not been previously published as pathogenic or benign to our knowledge

Quest Diagnostics Nichols Institute San Juan Capistrano
Classification: Uncertain significance. Last evaluated: 2021-08-31. Review status: criteria provided, single submitter. Criteria: Quest Diagnostics criteria. Collection method: clinical testing. Allele origin: unknown.

NM_020937.4(FANCM):c.184T>C (p.Tyr62His)

Gene: FANCM (FA complementation group M; plus strand). Cytogenetic location: 14q21.2.
Variant type: single nucleotide variant.
Coding change: c.184T>C on transcript NM_020937.4 (MANE Select); coding-DNA position 184, T replaced by C.
Protein change: p.Tyr62His; replaces tyrosine 62 with histidine.
Molecular consequence: missense variant.
Genome position (GRCh38, 1-based): chr14:45,136,215, T>C. VCF-style: chr14-45136215-T-C. GRCh37 (hg19) VCF-style: chr14-45605418-T-C.
Other names: c.184T>C, p.Tyr62His (NM_001308133.2, NM_001308134.2); c.184T>C (NM_020937.3); short protein forms Y62H.
Identifiers: ClinVar variation 1472956 (VCV001472956.9), dbSNP rs746609446, ClinGen allele CA7168714.